The following is an entry in ClinVar:

ClinVar aggregate classification (germline): Uncertain significance. Review status: criteria provided, multiple submitters, no conflicts (2 of 4 stars). 2 submissions from 2 submitters: Uncertain significance (2). Last evaluated 2023-04-06.

Conditions:
Hereditary cancer-predisposing syndrome. Also called: Tumor predisposition; Neoplastic Syndromes, Hereditary; Hereditary Cancer Syndrome; Hereditary neoplastic syndrome. Identifiers: Orphanet 140162, MedGen C0027672, MeSH D009386, MONDO:0015356.
Rhabdoid tumor predisposition syndrome 2 (RTPS2). Identifiers: Orphanet 231108, Orphanet 69077, MedGen C2750074, MONDO:0013224, OMIM 613325.

Submissions (2):

Labcorp Genetics (formerly Invitae), Labcorp
Classification: Uncertain significance for Rhabdoid tumor predisposition syndrome 2. Last evaluated: 2023-04-06. Review status: criteria provided, single submitter. Criteria: Invitae Variant Classification Sherloc (09022015). Collection method: clinical testing. Allele origin: germline.
Comment: This sequence change replaces proline, which is neutral and non-polar, with leucine, which is neutral and non-polar, at codon 270 of the SMARCA4 protein (p.Pro270Leu). This variant is not present in population databases (gnomAD no frequency). This variant has not been reported in the literature in individuals affected with SMARCA4-related conditions. ClinVar contains an entry for this variant (Variation ID: 1384036). Advanced modeling of protein sequence and biophysical properties (such as structural, functional, and spatial information, amino acid conservation, physicochemical variation, residue mobility, and thermodynamic stability) performed at Invitae indicates that this missense variant is not expected to disrupt SMARCA4 protein function. In summary, the available evidence is currently insufficient to determine the role of this variant in disease. Therefore, it has been classified as a Variant of Uncertain Significance.

Ambry Genetics
Classification: Uncertain significance for Hereditary cancer-predisposing syndrome. Last evaluated: 2022-09-26. Review status: criteria provided, single submitter. Criteria: Ambry Variant Classification Scheme 2023. Collection method: clinical testing. Allele origin: germline.
Comment: The p.P270L variant (also known as c.809C>T), located in coding exon 4 of the SMARCA4 gene, results from a C to T substitution at nucleotide position 809. The proline at codon 270 is replaced by leucine, an amino acid with similar properties. This amino acid position is well conserved in available vertebrate species. In addition, the in silico prediction for this alteration is inconclusive. Missense and in-frame variants in SMARCA4 are known to cause neurodevelopmental disorders; however, such associations with rhabdoid tumor predisposition syndrome including small cell carcinoma of the ovary-hypercalcemic type (SCCOHT) are exceedingly rare (Kosho T et al. Am J Med Genet C Semin Med Genet. 2014 Sep;166C(3):262-75; Jelinic P et al. Nat Genet. 2014 May;46(5):424-6). Based on the supporting evidence, the association of this alteration with Coffin-Siris syndrome is unknown; however, the association of this alteration with rhabdoid tumor predisposition syndrome is unlikely.

NM_003072.5(SMARCA4):c.809C>T (p.Pro270Leu)

Gene: SMARCA4 (SWI/SNF related BAF chromatin remodeling complex subunit ATPase 4; plus strand). Cytogenetic location: 19p13.2.
Variant type: single nucleotide variant.
Coding change: c.809C>T on transcript NM_003072.5 (MANE Select); coding-DNA position 809, C replaced by T.
Protein change: p.Pro270Leu; replaces proline 270 with leucine.
Molecular consequence: missense variant. On other transcripts: non-coding transcript variant (1).
Genome position (GRCh38, 1-based): chr19:10,986,953, C>T. VCF-style: chr19-10986953-C-T. GRCh37 (hg19) VCF-style: chr19-11097629-C-T.
Other names: c.809C>T, p.Pro270Leu (NM_001128844.3, NM_001128845.2, NM_001128846.2 and 5 more transcripts); short protein forms P270L.
Identifiers: ClinVar variation 1384036 (VCV001384036.10), dbSNP rs1568424897, ClinGen allele CA404058011.
Genomic context (GRCh38, chr19:10,986,953, plus strand): 5'-CCCTACATGTAGGTATGGGAGGGCCCAACATGCCTCCCCCAGGACCCTCGGGCGTGCCCC[C>T]CGGGATGCCAGGCCAGCCTCCTGGAGGGCCTCCCAAGCCCTGGCCTGAAGGTGAGCTCCC-3'
Protein context (NP_003063.2, residues 260-280): MPPPGPSGVP[Pro270Leu]GMPGQPPGGP